The following is an entry in ClinVar:

NM_172364.5(CACNA2D4):c.3145A>T (p.Asn1049Tyr)

Gene: CACNA2D4 (calcium voltage-gated channel auxiliary subunit alpha2delta 4; minus strand). Cytogenetic location: 12p13.33.
Variant type: single nucleotide variant.
Coding change: c.3145A>T on transcript NM_172364.5 (MANE Select); coding-DNA position 3145, A replaced by T.
Protein change: p.Asn1049Tyr; replaces asparagine 1049 with tyrosine.
Molecular consequence: missense variant.
Genome position (GRCh38, 1-based): chr12:1,795,749, T>A on the plus strand (A>T on the coding strand, the complement: CACNA2D4 is on the minus strand). VCF-style: chr12-1795749-T-A. GRCh37 (hg19) VCF-style: chr12-1904915-T-A.
Other names: short protein forms N1049Y.
Identifiers: ClinVar variation 1931696 (VCV001931696.5), dbSNP rs2497681400, ClinGen allele CA383348330.

ClinVar aggregate classification (germline): Uncertain significance (1 of 4 stars; one submission).

Submission:

Labcorp Genetics (formerly Invitae), Labcorp
Classification: Uncertain significance. Last evaluated: 2022-09-06. Review status: criteria provided, single submitter. Criteria: Invitae Variant Classification Sherloc (09022015). Collection method: clinical testing. Allele origin: germline.
Comment: This variant has not been reported in the literature in individuals affected with CACNA2D4-related conditions. In summary, the available evidence is currently insufficient to determine the role of this variant in disease. Therefore, it has been classified as a Variant of Uncertain Significance. Algorithms developed to predict the effect of missense changes on protein structure and function are either unavailable or do not agree on the potential impact of this missense change (SIFT: "Deleterious"; PolyPhen-2: "Probably Damaging"; Align-GVGD: "Class C0"). This variant is not present in population databases (gnomAD no frequency). This sequence change replaces asparagine, which is neutral and polar, with tyrosine, which is neutral and polar, at codon 1049 of the CACNA2D4 protein (p.Asn1049Tyr).